The following is an entry in ClinVar:

NM_199355.4(ADAMTS18):c.2026G>T (p.Val676Leu)

Gene: ADAMTS18 (ADAM metallopeptidase with thrombospondin type 1 motif 18; minus strand). Cytogenetic location: 16q23.1.
Variant type: single nucleotide variant.
Coding change: c.2026G>T on transcript NM_199355.4 (MANE Select); coding-DNA position 2026, G replaced by T.
Protein change: p.Val676Leu; replaces valine 676 with leucine.
Molecular consequence: missense variant.
Genome position (GRCh38, 1-based): chr16:77,325,872, C>A on the plus strand (G>T on the coding strand, the complement: ADAMTS18 is on the minus strand). VCF-style: chr16-77325872-C-A. GRCh37 (hg19) VCF-style: chr16-77359769-C-A.
Other names: c.2026G>T (NM_199355.2); c.1510G>T, p.Val504Leu (NM_001326358.2); short protein forms V676L, V504L.
Identifiers: ClinVar variation 855626 (VCV000855626.12), dbSNP rs200959747, ClinGen allele CA8181094.

ClinVar aggregate classification (germline): Uncertain significance. Review status: criteria provided, multiple submitters, no conflicts (2 of 4 stars). 3 submissions from 3 submitters: Uncertain significance (3). Last evaluated 2025-03-06.

Conditions:
Inborn genetic diseases. Identifiers: MedGen C0950123, MeSH D030342.

Allele frequency attached by ClinVar (database versions not stated): TOPMed 0.00001; gnomAD 0.00002 and 0.00003; ExAC 0.00003; gnomAD exomes 0.00003; 1000 Genomes Project 0.00020; 1000 Genomes Project 30x 0.00031.
gnomAD v4.1: 80 of 1,613,594 alleles (0.005%); highest among the groups gnomAD compares: Non-Finnish European, 0.0064%; no homozygotes.

Submissions (3):

Ambry Genetics
Classification: Uncertain significance for Inborn genetic diseases. Last evaluated: 2025-03-06. Review status: criteria provided, single submitter. Criteria: Ambry Variant Classification Scheme 2023. Collection method: clinical testing. Allele origin: germline.

Blueprint Genetics
Classification: Uncertain significance. Last evaluated: 2024-11-21. Review status: criteria provided, single submitter. Criteria: ACMG Guidelines, 2015. Collection method: clinical testing. Allele origin: germline.

Labcorp Genetics (formerly Invitae), Labcorp
Classification: Uncertain significance. Last evaluated: 2024-02-12. Review status: criteria provided, single submitter. Criteria: Invitae Variant Classification Sherloc (09022015). Collection method: clinical testing. Allele origin: germline.
Comment: This sequence change replaces valine, which is neutral and non-polar, with leucine, which is neutral and non-polar, at codon 676 of the ADAMTS18 protein (p.Val676Leu). This variant is present in population databases (rs200959747, gnomAD 0.006%). This variant has not been reported in the literature in individuals affected with ADAMTS18-related conditions. ClinVar contains an entry for this variant (Variation ID: 855626). An algorithm developed to predict the effect of missense changes on protein structure and function (PolyPhen-2) suggests that this variant¬†is likely to be tolerated. In summary, the available evidence is currently insufficient to determine the role of this variant in disease. Therefore, it has been classified as a Variant of Uncertain Significance.